The following is an entry in ClinVar:

NM_000208.4(INSR):c.1084G>A (p.Val362Ile)

Gene: INSR (insulin receptor; minus strand). Cytogenetic location: 19p13.2.
Variant type: single nucleotide variant.
Coding change: c.1084G>A on transcript NM_000208.4 (MANE Select); coding-DNA position 1084, G replaced by A.
Protein change: p.Val362Ile; replaces valine 362 with isoleucine.
Molecular consequence: missense variant.
Genome position (GRCh38, 1-based): chr19:7,174,622, C>T on the plus strand (G>A on the coding strand, the complement: INSR is on the minus strand). VCF-style: chr19-7174622-C-T. GRCh37 (hg19) VCF-style: chr19-7174633-C-T.
Other names: c.1084G>A, p.Val362Ile (NM_001079817.3); short protein forms V362I.
Identifiers: ClinVar variation 211188 (VCV000211188.23), dbSNP rs72549237, ClinGen allele CA206311.

ClinVar aggregate classification (germline): Uncertain significance. Review status: criteria provided, multiple submitters, no conflicts (2 of 4 stars). 9 submissions from 7 submitters: Uncertain significance (9). Last evaluated 2025-12-01.

Conditions:
Inborn genetic diseases. Identifiers: MedGen C0950123, MeSH D030342.
Insulin-resistant diabetes mellitus AND acanthosis nigricans. Also called: DIABETES MELLITUS, INSULIN-RESISTANT, WITH ACANTHOSIS NIGRICANS, TYPE A; INSULIN RECEPTOR, DEFECT IN, WITH INSULIN-RESISTANT DIABETES MELLITUS AND ACANTHOSIS NIGRICANS; IRAN, TYPE A; type A insulin resistance; Insulin-resistance syndrome type A. Identifiers: Orphanet 2297, MedGen C0342278, MONDO:0012520, OMIM 610549.
Leprechaunism syndrome. Also called: LEPRECHAUNISM; Donohue syndrome. Identifiers: Orphanet 508, MedGen C0265344, MONDO:0009517, OMIM 246200.
Rabson-Mendenhall syndrome. Also called: MENDENHALL SYNDROME; Pineal Hyperplasia, Insulin-Resistant Diabetes Mellitus, and Somatic Abnormalities; Pineal hyperplasia AND diabetes mellitus syndrome. Identifiers: Orphanet 769, MedGen C0271695, MONDO:0009874, OMIM 262190.

Allele frequency attached by ClinVar (database versions not stated): gnomAD 0.00004 and 0.00007; gnomAD exomes 0.00005 and 0.00006; TOPMed 0.00005; ExAC 0.00006.
gnomAD v4.1: 95 of 1,614,000 alleles (0.0059%); highest among the groups gnomAD compares: Middle Eastern, 0.35%; no homozygotes.

Submissions (9):

CeGaT Center for Human Genetics Tuebingen
Classification: Uncertain significance. Last evaluated: 2025-12-01. Review status: criteria provided, single submitter. Criteria: CeGaT Center For Human Genetics Tuebingen Variant Classification Criteria Version 2. Collection method: clinical testing. Allele origin: germline. Affected: yes. Observed: 1 variant allele.
Comment: INSR: PM2, BP4

Revvity Omics, Revvity
Classification: Uncertain significance. Last evaluated: 2022-07-28. Review status: criteria provided, single submitter. Criteria: ACMG Guidelines, 2015. Collection method: clinical testing. Allele origin: germline.

Ambry Genetics
Classification: Uncertain significance for Inborn genetic diseases. Last evaluated: 2022-06-07. Review status: criteria provided, single submitter. Criteria: Ambry Variant Classification Scheme 2023. Collection method: clinical testing. Allele origin: germline.

Illumina Laboratory Services, Illumina
Classification: Uncertain significance for Leprechaunism syndrome. Last evaluated: 2017-04-27. Review status: criteria provided, single submitter. Criteria: ICSL Variant Classification Criteria 13 December 2019. Collection method: clinical testing. Allele origin: germline.

Illumina Laboratory Services, Illumina
Classification: Uncertain significance for Rabson-Mendenhall syndrome. Last evaluated: 2017-04-27. Review status: criteria provided, single submitter. Criteria: ICSL Variant Classification Criteria 13 December 2019. Collection method: clinical testing. Allele origin: germline.

Illumina Laboratory Services, Illumina
Classification: Uncertain significance for Insulin-resistant diabetes mellitus AND acanthosis nigricans. Last evaluated: 2017-04-27. Review status: criteria provided, single submitter. Criteria: ICSL Variant Classification Criteria 13 December 2019. Collection method: clinical testing. Allele origin: germline.

Eurofins Ntd Llc (ga)
Classification: Uncertain significance. Last evaluated: 2015-12-22. Review status: criteria provided, single submitter. Criteria: EGL Classification Definitions 2015. Collection method: clinical testing. Allele origin: germline. Observed: 1 variant allele, 1 heterozygote.

Genetic Services Laboratory, University of Chicago
Classification: Uncertain significance. Last evaluated: 2014-05-29. Review status: criteria provided, single submitter. Criteria: ACMG Guidelines, 2015. Collection method: clinical testing. Allele origin: germline.

Breakthrough Genomics
Classification: Uncertain significance. Review status: criteria provided, single submitter. Criteria: ACMG Guidelines, 2015. Collection method: not provided. Allele origin: germline. Inheritance: Autosomal recessive inheritance. Affected: yes.